The following is an entry in ClinVar:

NM_001177316.2(SLC34A3):c.1403G>T (p.Arg468Leu)

Gene: SLC34A3 (solute carrier family 34 member 3; plus strand). Cytogenetic location: 9q34.3.
Variant type: single nucleotide variant.
Coding change: c.1403G>T on transcript NM_001177316.2 (MANE Select); coding-DNA position 1403, G replaced by T.
Protein change: p.Arg468Leu; replaces arginine 468 with leucine.
Molecular consequence: missense variant.
Genome position (GRCh38, 1-based): chr9:137,236,019, G>T. VCF-style: chr9-137236019-G-T. GRCh37 (hg19) VCF-style: chr9-140130471-G-T.
Other names: c.1403G>T, p.Arg468Leu (NM_001177317.2, NM_080877.3); short protein forms R468L.
Identifiers: ClinVar variation 1059908 (VCV001059908.9), dbSNP rs763789409, ClinGen allele CA375740494.

ClinVar aggregate classification (germline): Uncertain significance (1 of 4 stars; one submission).

gnomAD v4.1: 1 of 1,612,616 alleles (0.000062%); highest among the groups gnomAD compares: Non-Finnish European, 0.000085%; no homozygotes.

Submission:

Labcorp Genetics (formerly Invitae), Labcorp
Classification: Uncertain significance. Last evaluated: 2020-03-12. Review status: criteria provided, single submitter. Criteria: Invitae Variant Classification Sherloc (09022015). Collection method: clinical testing. Allele origin: germline.
Comment: This variant disrupts the p.Arg468 amino acid residue in SLC34A3. Other variant(s) that disrupt this residue have been determined to be pathogenic (PMID: 24246249, 16358214, 22159077, 26399350). This suggests that this residue is clinically significant, and that variants that disrupt this residue are likely to be disease-causing. This sequence change replaces arginine with leucine at codon 468 of the SLC34A3 protein (p.Arg468Leu). The arginine residue is highly conserved and there is a moderate physicochemical difference between arginine and leucine. This variant is not present in population databases (ExAC no frequency). This variant has not been reported in the literature in individuals with SLC34A3-related conditions. Algorithms developed to predict the effect of missense changes on protein structure and function (SIFT, PolyPhen-2, Align-GVGD) all suggest that this variant is likely to be disruptive, but these predictions have not been confirmed by published functional studies and their clinical significance is uncertain. In summary, the available evidence is currently insufficient to determine the role of this variant in disease. Therefore, it has been classified as a Variant of Uncertain Significance.

Literature cited by the submitters: PubMed 24246249; PubMed 16358214; PubMed 22159077; PubMed 26399350.